The following is an entry in ClinVar:

NM_152906.7(TANGO2):c.35_36del (p.Pro12fs)

Gene: TANGO2 (transport and golgi organization 2 homolog; plus strand). Cytogenetic location: 22q11.21.
Variant type: Deletion.
Coding change: c.35_36del on transcript NM_152906.7 (MANE Select); coding-DNA positions 35 to 36, 2 bases deleted (CT; older notation c.35_36delCT).
Protein change: p.Pro12fs; shifts the reading frame from proline 12.
Molecular consequence: frameshift variant. On other transcripts: 5 prime UTR variant (20), non-coding transcript variant (5).
Genome position (GRCh38, 1-based): chr22:20,036,833-20,036,834, CT deleted. VCF-style (leftmost placement, unchanged base first): chr22-20036832-CCT-C. GRCh37 (hg19) VCF-style: chr22-20024355-CCT-C.
Other names: c.-385_-384del (NM_001322148.2, NM_001322150.2, NM_001322172.2 and 1 more transcripts); c.-83_-82del (NM_001322149.2, NM_001283129.3, NM_001283215.3 and 5 more transcripts); c.-145_-144del (NM_001322153.2, NM_001322155.2, NM_001322160.2 and 5 more transcripts); c.35_36del, p.Pro12fs (NM_001322163.2, NM_001322166.2, NM_001322167.2 and 10 more transcripts); c.35_36del (NM_152906.4); c.35_36delCT (NM_152906.4); short protein forms P12fs.
Identifiers: ClinVar variation 817318 (VCV000817318.5), dbSNP rs1601975780, ClinGen allele CA915952890.
Genomic context (GRCh38, chr22:20,036,832, plus strand): 5'-GTGTCAGCAGAGCCGCCCTGCACCACCATGTGCATCATCTTCTTTAAGTTTGATCCTCGC[CCT>C]GTTTCCAAAAACGCGTACAGGTAACCCCCTCGCTCTGCATCTGCTGCGCCCTGCAGGGTC-3'

ClinVar aggregate classification (germline): Pathogenic. Review status: criteria provided, multiple submitters, no conflicts (2 of 4 stars). 2 submissions from 2 submitters: Pathogenic (2). Last evaluated 2023-11-21.

Allele frequency attached by ClinVar (database versions not stated): gnomAD exomes below 0.00001; TOPMed below 0.00001; gnomAD 0.00001.

Submissions (2):

GeneDx
Classification: Pathogenic. Last evaluated: 2023-11-21. Review status: criteria provided, single submitter. Criteria: GeneDx Variant Classification Process June 2021. Collection method: clinical testing. Allele origin: germline. Affected: yes.
Comment: Frameshift variant predicted to result in protein truncation or nonsense mediated decay in a gene for which loss-of-function is a known mechanism of disease; Not observed in large population cohorts (gnomAD); This variant is associated with the following publications: (PMID: 33845444)

Labcorp Genetics (formerly Invitae), Labcorp
Classification: Pathogenic. Last evaluated: 2022-12-08. Review status: criteria provided, single submitter. Criteria: Invitae Variant Classification Sherloc (09022015). Collection method: clinical testing. Allele origin: germline.
Comment: For these reasons, this variant has been classified as Pathogenic. ClinVar contains an entry for this variant (Variation ID: 817318). This premature translational stop signal has been observed in individual(s) with TANGO2-related conditions (PMID: 33845444). This variant is not present in population databases (gnomAD no frequency). This sequence change creates a premature translational stop signal (p.Pro12Argfs*16) in the TANGO2 gene. It is expected to result in an absent or disrupted protein product. Loss-of-function variants in TANGO2 are known to be pathogenic (PMID: 26805781, 26805782).

Literature cited by the submitters: PubMed 33845444 (cited by Labcorp Genetics (formerly Invitae), Labcorp); PubMed 26805781 (cited by Labcorp Genetics (formerly Invitae), Labcorp); PubMed 26805782 (cited by Labcorp Genetics (formerly Invitae), Labcorp).